The following is an entry in ClinVar:

ClinVar aggregate classification (germline): Pathogenic (1 of 4 stars; one submission).

Conditions:
Deficiency of acetyl-CoA acetyltransferase. Also called: MITOCHONDRIAL ACETOACETYL-CoA THIOLASE DEFICIENCY; 3-KETOTHIOLASE DEFICIENCY; 3-OXOTHIOLASE DEFICIENCY; Beta-ketothiolase deficiency. Identifiers: Orphanet 134, MedGen C1536500, MONDO:0008760, OMIM 203750. Disease mechanism: loss of function.

Allele frequency attached by ClinVar (database versions not stated): gnomAD exomes below 0.00001; ExAC 0.00001.

Submission:

Labcorp Genetics (formerly Invitae), Labcorp
Classification: Pathogenic for Deficiency of acetyl-CoA acetyltransferase. Last evaluated: 2019-04-25. Review status: criteria provided, single submitter. Criteria: Invitae Variant Classification Sherloc (09022015). Collection method: clinical testing. Allele origin: germline.
Comment: This sequence change creates a premature translational stop signal (p.Tyr214*) in the ACAT1 gene. It is expected to result in an absent or disrupted protein product. This variant is present in population databases (rs761282960, ExAC 0.006%). This variant has not been reported in the literature in individuals with ACAT1-related conditions. Loss-of-function variants in ACAT1 are known to be pathogenic (PMID: 7749408). For these reasons, this variant has been classified as Pathogenic.

Literature cited by the submitters: PubMed 7749408.

NM_000019.4(ACAT1):c.642T>G (p.Tyr214Ter)

Gene: ACAT1 (acetyl-CoA acetyltransferase 1; plus strand). Cytogenetic location: 11q22.3.
Variant type: single nucleotide variant.
Coding change: c.642T>G on transcript NM_000019.4 (MANE Select); coding-DNA position 642, T replaced by G.
Protein change: p.Tyr214Ter; replaces tyrosine 214 with a stop codon.
Molecular consequence: nonsense.
Genome position (GRCh38, 1-based): chr11:108,140,127, T>G. VCF-style: chr11-108140127-T-G. GRCh37 (hg19) VCF-style: chr11-108010854-T-G.
Other names: short protein forms Y214*.
Identifiers: ClinVar variation 864432 (VCV000864432.3), dbSNP rs761282960, ClinGen allele CA6263178.